The following is an entry in ClinVar:

NM_032578.4(MYPN):c.269A>T (p.Lys90Met)

Gene: MYPN (myopalladin; plus strand). Cytogenetic location: 10q21.3.
Variant type: single nucleotide variant.
Coding change: c.269A>T on transcript NM_032578.4 (MANE Select); coding-DNA position 269, A replaced by T.
Protein change: p.Lys90Met; replaces lysine 90 with methionine.
Molecular consequence: missense variant. On other transcripts: 5 prime UTR variant (1), non-coding transcript variant (1).
Genome position (GRCh38, 1-based): chr10:68,121,707, A>T. VCF-style: chr10-68121707-A-T. GRCh37 (hg19) VCF-style: chr10-69881464-A-T.
Other names: c.269A>T, p.Lys90Met (NM_001256267.2); c.-854A>T (NM_001256268.2); short protein forms K90M.
Identifiers: ClinVar variation 2449129 (VCV002449129.2), dbSNP rs773233702, ClinGen allele CA377103970.

ClinVar aggregate classification (germline): Uncertain significance (1 of 4 stars; one submission).

Conditions:
Cardiovascular phenotype. Identifiers: MedGen CN230736.

Allele frequency attached by ClinVar (database versions not stated): TOPMed 0.00001.
gnomAD v4.1: 1 of 1,614,108 alleles (0.000062%); no homozygotes.

Submission:

Ambry Genetics
Classification: Uncertain significance for Cardiovascular phenotype. Last evaluated: 2022-12-17. Review status: criteria provided, single submitter. Criteria: Ambry Variant Classification Scheme 2023. Collection method: clinical testing. Allele origin: germline.
Comment: The p.K90M variant (also known as c.269A>T), located in coding exon 1 of the MYPN gene, results from an A to T substitution at nucleotide position 269. The lysine at codon 90 is replaced by methionine, an amino acid with similar properties. This amino acid position is conserved. In addition, this alteration is predicted to be tolerated by in silico analysis. Since supporting evidence is limited at this time, the clinical significance of this alteration remains unclear.